The following is an entry in ClinVar:

ClinVar aggregate classification (germline): Likely benign. Review status: criteria provided, multiple submitters, no conflicts (2 of 4 stars). 4 submissions from 4 submitters: Likely benign (3). 1 of the submissions does not count toward it. Last evaluated 2023-06-24.

Conditions:
Hereditary cancer-predisposing syndrome. Also called: Hereditary Cancer Syndrome; Neoplastic Syndromes, Hereditary; Tumor predisposition; Hereditary neoplastic syndrome. Identifiers: Orphanet 140162, MedGen C0027672, MeSH D009386, MONDO:0015356.
Hereditary breast ovarian cancer syndrome. Also called: Breast and ovarian cancer; Hereditary breast and/or ovarian cancer syndrome; Hereditary breast and ovarian cancer; Hereditary breast and ovarian cancer syndrome (HBOC); BRCA1- and BRCA2-Associated Hereditary Breast and Ovarian Cancer; Hereditary breast and ovarian cancer syndrome. Identifiers: Orphanet 145, MedGen C0677776, MeSH D061325, MONDO:0003582. Disease mechanism: loss of function.
BRCA1-related disorder. Also called: BRCA1-related condition.

Submissions (4):

Ambry Genetics
Classification: Likely benign for Hereditary cancer-predisposing syndrome. Last evaluated: 2023-06-24. Review status: criteria provided, single submitter. Criteria: Ambry Variant Classification Scheme 2023. Collection method: clinical testing. Allele origin: germline.

Labcorp Genetics (formerly Invitae), Labcorp
Classification: Likely benign for Hereditary breast ovarian cancer syndrome. Last evaluated: 2019-11-11. Review status: criteria provided, single submitter. Criteria: Invitae Variant Classification Sherloc (09022015). Collection method: clinical testing. Allele origin: germline.

Color Diagnostics, LLC DBA Color Health
Classification: Likely benign for Hereditary cancer-predisposing syndrome. Last evaluated: 2017-10-09. Review status: criteria provided, single submitter. Criteria: ACMG Guidelines, 2015. Collection method: clinical testing. Allele origin: germline.

PreventionGenetics, part of Exact Sciences
Classification: Likely benign for BRCA1-related condition. Last evaluated: 2022-06-08. Review status: no assertion criteria provided. Collection method: clinical testing. Allele origin: germline. Not counted in ClinVar's aggregate classification.
Comment: This variant is classified as likely benign based on ACMG/AMP sequence variant interpretation guidelines (Richards et al. 2015 PMID: 25741868, with internal and published modifications).

NM_007294.4(BRCA1):c.4683C>A (p.Thr1561=)

Gene: BRCA1 (BRCA1 DNA repair associated; minus strand). Cytogenetic location: 17q21.31.
Variant type: single nucleotide variant.
Coding change: c.4683C>A on transcript NM_007294.4 (MANE Select); coding-DNA position 4683, C replaced by A.
Protein change: p.Thr1561=; no amino-acid change (threonine 1561 retained).
Molecular consequence: synonymous variant. On other transcripts: intron variant (1).
Genome position (GRCh38, 1-based): chr17:43,071,231, G>T on the plus strand (C>A on the coding strand, the complement: BRCA1 is on the minus strand). VCF-style: chr17-43071231-G-T. GRCh37 (hg19) VCF-style: chr17-41223248-G-T.
Other names: c.4542C>A, p.Thr1514= (NM_001407730.1, NM_001407731.1, NM_001407942.1 and 13 more transcripts); c.4539C>A, p.Thr1513= (NM_001407732.1, NM_001407733.1, NM_001407734.1 and 21 more transcripts); c.4536C>A, p.Thr1512= (NM_001407838.1, NM_001407839.1, NM_001407841.1 and 12 more transcripts); c.4683C>A, p.Thr1561= (NM_001407854.1, NM_001407593.1, NM_001407594.1 and 8 more transcripts); c.4680C>A, p.Thr1560= (NM_001407858.1, NM_001407859.1, NM_001407860.1 and 17 more transcripts); c.4677C>A, p.Thr1559= (NM_001407861.1, NM_001407627.1, NM_001407628.1 and 14 more transcripts); c.4482C>A, p.Thr1494= (NM_001407862.1); c.4557C>A, p.Thr1519= (NM_001407863.1, NM_001407939.1, NM_001407940.1 and 11 more transcripts); and 71 more.
Identifiers: ClinVar variation 491084 (VCV000491084.19), dbSNP rs878853265, ClinGen allele CA500231904.
Genomic context (GRCh38, chr17:43,071,231, plus strand): 5'-TTCAGAAGGATCAGATTCAGGGTCATCAGAGAAGAGGCTGATTCCAGATTCCAGGTAAGG[G>T]GTTCCCTCTGAAAGGAATGGGAGAAGTTTAATTTACACAACGATGAATGTTGAATTACAA-3'
Protein context (NP_009225.1, residues 1551-1571): SYLPRQDLEG[Thr1561=]PYLESGISLF